The following is an entry in ClinVar:

NM_005720.4(ARPC1B):c.484T>G (p.Cys162Gly)

Gene: ARPC1B (actin related protein 2/3 complex subunit 1B; plus strand). Cytogenetic location: 7q22.1.
Variant type: single nucleotide variant.
Coding change: c.484T>G on transcript NM_005720.4 (MANE Select); coding-DNA position 484, T replaced by G.
Protein change: p.Cys162Gly; replaces cysteine 162 with glycine.
Molecular consequence: missense variant.
Genome position (GRCh38, 1-based): chr7:99,389,996, T>G. VCF-style: chr7-99389996-T-G. GRCh37 (hg19) VCF-style: chr7-98987619-T-G.
Other names: short protein forms C162G.
Identifiers: ClinVar variation 1030960 (VCV001030960.6), dbSNP rs370537333, ClinGen allele CA4364021.
Genomic context (GRCh38, chr7:99,389,996, plus strand): 5'-CGCTCCACCGTCCTCAGCCTGGACTGGCACCCCAACAATGTGCTGCTGGCTGCCGGCTCC[T>G]GTGACTTCAAGTGTCGGTGAGACAGGGCGCCATGGGGGAGGGCGGGGCTGACGTCAACTG-3'
Protein context (NP_005711.1, residues 152-172): PNNVLLAAGS[Cys162Gly]DFKCRIFSAY

ClinVar aggregate classification (germline): Uncertain significance. Review status: criteria provided, multiple submitters, no conflicts (2 of 4 stars). 3 submissions from 3 submitters: Uncertain significance (3). Last evaluated 2024-09-18.

Conditions:
Platelet abnormalities with eosinophilia and immune-mediated inflammatory disease. Also called: IMMUNODEFICIENCY 71 WITH INFLAMMATORY DISEASE AND CONGENITAL THROMBOCYTOPENIA. Identifiers: MedGen C4540232, MONDO:0060583, OMIM 617718.

Allele frequency attached by ClinVar (database versions not stated): gnomAD 0.00001 and 0.00004; gnomAD exomes 0.00001 and 0.00005; TOPMed 0.00001; ExAC 0.00009; 1000 Genomes Project 30x 0.00062; 1000 Genomes Project 0.00080.
gnomAD v4.1: 27 of 1,614,018 alleles (0.0017%); highest among the groups gnomAD compares: East Asian, 0.031%; no homozygotes.

Submissions (6):

Blueprint Genetics
Classification: Uncertain significance. Last evaluated: 2024-09-18. Review status: criteria provided, single submitter. Criteria: ACMG Guidelines, 2015. Collection method: clinical testing. Allele origin: germline.

Labcorp Genetics (formerly Invitae), Labcorp
Classification: Uncertain significance. Last evaluated: 2022-08-16. Review status: criteria provided, single submitter. Criteria: Invitae Variant Classification Sherloc (09022015). Collection method: clinical testing. Allele origin: germline.
Comment: This sequence change replaces cysteine, which is neutral and slightly polar, with glycine, which is neutral and non-polar, at codon 162 of the ARPC1B protein (p.Cys162Gly). This variant is present in population databases (rs370537333, gnomAD 0.06%). This variant has not been reported in the literature in individuals affected with ARPC1B-related conditions. ClinVar contains an entry for this variant (Variation ID: 1030960). Algorithms developed to predict the effect of missense changes on protein structure and function are either unavailable or do not agree on the potential impact of this missense change (SIFT: "Tolerated"; PolyPhen-2: "Possibly Damaging"; Align-GVGD: "Class C0"). Algorithms developed to predict the effect of sequence changes on RNA splicing suggest that this variant may create or strengthen a splice site. In summary, the available evidence is currently insufficient to determine the role of this variant in disease. Therefore, it has been classified as a Variant of Uncertain Significance.

Baylor Genetics
Classification: Uncertain significance for Platelet abnormalities with eosinophilia and immune-mediated inflammatory disease. Last evaluated: 2020-03-06. Review status: criteria provided, single submitter. Criteria: ACMG Guidelines, 2015. Collection method: clinical testing. Allele origin: unknown. Affected: yes.
Comment: This variant was determined to be of uncertain significance according to ACMG Guidelines, 2015 [PMID:25741868].

Dr. Peter K. Rogan Lab, Western University
No classification provided (evidence only). Condition: Colon adenocarcinoma. Review status: no classification provided. Collection method: in vitro. Allele origin: not applicable. Functional consequence: retained intron. Not counted in ClinVar's aggregate classification.

Dr. Peter K. Rogan Lab, Western University
No classification provided (evidence only). Condition: Thyroid cancer, nonmedullary, 1. Review status: no classification provided. Collection method: in vitro. Allele origin: not applicable. Functional consequence: retained intron. Not counted in ClinVar's aggregate classification.

Dr. Peter K. Rogan Lab, Western University
No classification provided (evidence only). Condition: Sarcoma. Review status: no classification provided. Collection method: in vitro. Allele origin: not applicable. Functional consequence: retained intron. Not counted in ClinVar's aggregate classification.